The following is an entry in ClinVar:

ClinVar aggregate classification (germline): Uncertain significance (1 of 4 stars; one submission).

gnomAD v4.1: 2 of 1,612,846 alleles (0.00012%); highest among the groups gnomAD compares: African/African-American, 0.0013%; no homozygotes.

Submission:

Labcorp Genetics (formerly Invitae), Labcorp
Classification: Uncertain significance. Last evaluated: 2024-08-29. Review status: criteria provided, single submitter. Criteria: Invitae Variant Classification Sherloc (09022015). Collection method: clinical testing. Allele origin: germline.
Comment: This sequence change replaces asparagine, which is neutral and polar, with tyrosine, which is neutral and polar, at codon 238 of the PDE4D protein (p.Asn238Tyr). This variant is present in population databases (no rsID available, gnomAD 0.01%). This variant has not been reported in the literature in individuals affected with PDE4D-related conditions. Invitae Evidence Modeling of protein sequence and biophysical properties (such as structural, functional, and spatial information, amino acid conservation, physicochemical variation, residue mobility, and thermodynamic stability) indicates that this missense variant is not expected to disrupt PDE4D protein function with a negative predictive value of 80%. In summary, the available evidence is currently insufficient to determine the role of this variant in disease. Therefore, it has been classified as a Variant of Uncertain Significance.

NM_001104631.2(PDE4D):c.712A>T (p.Asn238Tyr)

Gene: PDE4D (phosphodiesterase 4D; minus strand). Cytogenetic location: 5q11.2.
Variant type: single nucleotide variant.
Coding change: c.712A>T on transcript NM_001104631.2 (MANE Select); coding-DNA position 712, A replaced by T.
Protein change: p.Asn238Tyr; replaces asparagine 238 with tyrosine.
Molecular consequence: missense variant. On other transcripts: 5 prime UTR variant (1), intron variant (2).
Genome position (GRCh38, 1-based): chr5:59,185,235, T>A on the plus strand (A>T on the coding strand, the complement: PDE4D is on the minus strand). VCF-style: chr5-59185235-T-A. GRCh37 (hg19) VCF-style: chr5-58481061-T-A.
Other names: c.529A>T, p.Asn177Tyr (NM_001165899.2, NM_001364599.1, NM_001364600.2); c.520A>T, p.Asn174Tyr (NM_001197218.2, NM_001364602.2); c.346A>T, p.Asn116Tyr (NM_001197219.2); c.322A>T, p.Asn108Tyr (NM_001197220.2); c.499A>T, p.Asn167Tyr (NM_001349241.2); c.382A>T, p.Asn128Tyr (NM_001349242.2); c.-239A>T (NM_001364603.1); c.304A>T, p.Asn102Tyr (NM_006203.5); and 1 more; short protein forms N116Y, N238Y, N102Y, N128Y, N167Y, N174Y, N177Y, N108Y.
Identifiers: ClinVar variation 3679485 (VCV003679485.2).